The following is an entry in ClinVar:

ClinVar aggregate classification (germline): Uncertain significance (1 of 4 stars; one submission).

Allele frequency attached by ClinVar (database versions not stated): gnomAD exomes below 0.00001; TOPMed below 0.00001.
gnomAD v4.1: 3 of 1,596,218 alleles (0.00019%); highest among the groups gnomAD compares: Admixed American, 0.0017%; no homozygotes.

Submission:

Labcorp Genetics (formerly Invitae), Labcorp
Classification: Uncertain significance. Last evaluated: 2023-11-07. Review status: criteria provided, single submitter. Criteria: Invitae Variant Classification Sherloc (09022015). Collection method: clinical testing. Allele origin: germline.
Comment: This sequence change replaces glutamic acid, which is acidic and polar, with glutamine, which is neutral and polar, at codon 308 of the NAA15 protein (p.Glu308Gln). This variant is present in population databases (no rsID available, gnomAD 0.003%). This variant has not been reported in the literature in individuals affected with NAA15-related conditions. ClinVar contains an entry for this variant (Variation ID: 2106290). An algorithm developed to predict the effect of missense changes on protein structure and function (PolyPhen-2) suggests that this variant is likely to be tolerated. In summary, the available evidence is currently insufficient to determine the role of this variant in disease. Therefore, it has been classified as a Variant of Uncertain Significance.

NM_057175.5(NAA15):c.922G>C (p.Glu308Gln)

Gene: NAA15 (N-alpha-acetyltransferase 15, NatA auxiliary subunit; plus strand). Cytogenetic location: 4q31.1.
Variant type: single nucleotide variant.
Coding change: c.922G>C on transcript NM_057175.5 (MANE Select); coding-DNA position 922, G replaced by C.
Protein change: p.Glu308Gln; replaces glutamic acid 308 with glutamine.
Molecular consequence: missense variant.
Genome position (GRCh38, 1-based): chr4:139,351,519, G>C. VCF-style: chr4-139351519-G-C. GRCh37 (hg19) VCF-style: chr4-140272673-G-C.
Other names: c.922G>C, p.Glu308Gln (NM_001410842.1, NM_025085.2); short protein forms E308Q.
Identifiers: ClinVar variation 2106290 (VCV002106290.4), dbSNP rs1271040251, ClinGen allele CA358261436.
Genomic context (GRCh38, chr4:139,351,519, plus strand): 5'-GTAAATACTTGATAAATATAAGCGAAAAGGATTTTTCTCTTCCAAGGTGAGAAGTTTAAA[G>C]AATGTTTGGATAAGTTCCTAAGGATGAATTTCAGCAAGGGTTGCCCACCAGTCTTCAATA-3'
Protein context (NP_476516.1, residues 298-318): LNFLSGEKFK[Glu308Gln]CLDKFLRMNF